The following is an entry in ClinVar:

NC_000002.11:g.(?_26512766)_(26512821_?)del

Gene: HADHB (hydroxyacyl-CoA dehydrogenase trifunctional multienzyme complex subunit beta; plus strand). Cytogenetic location: 2p23.3.
Variant type: Deletion.
Identifiers: ClinVar variation 2422550 (VCV002422550.8).

ClinVar aggregate classification (germline): Uncertain significance (1 of 4 stars; one submission).

Conditions:
Mitochondrial trifunctional protein deficiency. Identifiers: Orphanet 746, MedGen C1969443, MONDO:0012172.

Submission:

Labcorp Genetics (formerly Invitae), Labcorp
Classification: Uncertain significance for Mitochondrial trifunctional protein deficiency. Last evaluated: 2022-08-27. Review status: criteria provided, single submitter. Criteria: Invitae Variant Classification Sherloc (09022015). Collection method: clinical testing. Allele origin: germline.
Comment: This variant is a gross deletion of the genomic region encompassing exon(s) 16 of the HADHB gene, which includes the termination codon. This deletion extends beyond the assayed region for this gene and therefore may encompass additional genes. While this deletion is not anticipated to lead to nonsense mediated decay, it is expected to alter mRNA translation or result in a truncated protein product. A similar copy number variant has been observed in individual(s) with clinical features of HADHB-related conditions (PMID: 34578803). Experimental studies and prediction algorithms are not available or were not evaluated, and the functional significance of this variant is currently unknown. In summary, the available evidence is currently insufficient to determine the role of this variant in disease. Therefore, it has been classified as a Variant of Uncertain Significance.

Literature cited by the submitters: PubMed 34578803.